The following is an entry in ClinVar:

ClinVar aggregate classification (germline): Pathogenic. Review status: criteria provided, multiple submitters, no conflicts (2 of 4 stars). 3 submissions from 3 submitters: Pathogenic (3). Last evaluated 2023-04-03.

Conditions:
Hereditary cancer-predisposing syndrome. Also called: Neoplastic Syndromes, Hereditary; Tumor predisposition; Hereditary neoplastic syndrome; Hereditary Cancer Syndrome. Identifiers: Orphanet 140162, MedGen C0027672, MeSH D009386, MONDO:0015356.
Familial cancer of breast. Also called: BREAST CANCER, FAMILIAL; Hereditary breast cancer; hereditary breast carcinoma. Identifiers: Orphanet 227535, MedGen C0346153, MONDO:0016419, OMIM 114480. Disease mechanism: loss of function.

Submissions (3):

Color Diagnostics, LLC DBA Color Health
Classification: Pathogenic for Hereditary cancer-predisposing syndrome. Last evaluated: 2023-04-03. Review status: criteria provided, single submitter. Criteria: ACMG Guidelines, 2015. Collection method: clinical testing. Allele origin: germline.
Comment: This variant changes 1 nucleotide in exon 9 of the BARD1 gene, creating a premature translation stop signal. This variant is expected to result in an absent or non-functional protein product. To our knowledge, this variant has not been reported in individuals affected with BARD1-related disorders in the literature. This variant has not been identified in the general population by the Genome Aggregation Database (gnomAD). Loss of BARD1 function is a known mechanism of disease. Based on the available evidence, this variant is classified as Pathogenic.

Labcorp Genetics (formerly Invitae), Labcorp
Classification: Pathogenic for Familial cancer of breast. Last evaluated: 2022-08-21. Review status: criteria provided, single submitter. Criteria: Invitae Variant Classification Sherloc (09022015). Collection method: clinical testing. Allele origin: germline.
Comment: This sequence change creates a premature translational stop signal (p.Trp629*) in the BARD1 gene. It is expected to result in an absent or disrupted protein product. Loss-of-function variants in BARD1 are known to be pathogenic (PMID: 20077502, 21344236). This variant has not been reported in the literature in individuals affected with BARD1-related conditions. ClinVar contains an entry for this variant (Variation ID: 630100). For these reasons, this variant has been classified as Pathogenic. This variant is not present in population databases (gnomAD no frequency).

Ambry Genetics
Classification: Pathogenic for Hereditary cancer-predisposing syndrome. Last evaluated: 2020-10-08. Review status: criteria provided, single submitter. Criteria: Ambry Variant Classification Scheme 2023. Collection method: clinical testing. Allele origin: germline.
Comment: The p.W629* pathogenic mutation (also known as c.1887G>A), located in coding exon 9 of the BARD1 gene, results from a G to A substitution at nucleotide position 1887. This changes the amino acid from a tryptophan to a stop codon within coding exon 9. This alteration is expected to result in loss of function by premature protein truncation or nonsense-mediated mRNA decay. As such, this alteration is interpreted as a disease-causing mutation.

Literature cited by the submitters: PubMed 20077502 (cited by Labcorp Genetics (formerly Invitae), Labcorp); PubMed 21344236 (cited by Labcorp Genetics (formerly Invitae), Labcorp).

NM_000465.4(BARD1):c.1887G>A (p.Trp629Ter)

Gene: BARD1 (BRCA1 associated RING domain 1; minus strand). Cytogenetic location: 2q35.
Variant type: single nucleotide variant.
Coding change: c.1887G>A on transcript NM_000465.4 (MANE Select); coding-DNA position 1887, G replaced by A.
Protein change: p.Trp629Ter; replaces tryptophan 629 with a stop codon.
Molecular consequence: nonsense. On other transcripts: non-coding transcript variant (3), intron variant (1).
Genome position (GRCh38, 1-based): chr2:214,745,083, C>T on the plus strand (G>A on the coding strand, the complement: BARD1 is on the minus strand). VCF-style: chr2-214745083-C-T. GRCh37 (hg19) VCF-style: chr2-215609807-C-T.
Other names: c.1830G>A, p.Trp610Ter (NM_001282543.2); c.534G>A, p.Trp178Ter (NM_001282545.2); c.477G>A, p.Trp159Ter (NM_001282548.2); c.365-14575G>A (NM_001282549.2); c.1887G>A (NM_000465.2); short protein forms W629*, W159*, W178*, W610*.
Identifiers: ClinVar variation 630100 (VCV000630100.19), dbSNP rs878854003, ClinGen allele CA350452082.
Genomic context (GRCh38, chr2:214,745,083, plus strand): 5'-ACTAGTCTAATTCATTTCTTAATTCTCTCAAATCCAACACTTACATTCAAATTTTAGAAT[C>T]CAGCATCCATTGAGAATCCCAAGCATACACTTCAAGGTACTTTGAACTGCATCACCAGGA-3'